The following is an entry in ClinVar:

ClinVar aggregate classification (germline): Uncertain significance (1 of 4 stars; one submission).

Conditions:
Charcot-Marie-Tooth disease axonal type 2S. Also called: CHARCOT-MARIE-TOOTH DISEASE, AXONAL, AUTOSOMAL RECESSIVE, TYPE 2S; CHARCOT-MARIE-TOOTH NEUROPATHY, TYPE 2S. Identifiers: Orphanet 443073, MedGen C4015349, MONDO:0014511, OMIM 616155.
Autosomal recessive distal spinal muscular atrophy 1. Also called: NEURONOPATHY, DISTAL HEREDITARY MOTOR, HARDING TYPE VI; NEUROPATHY, DISTAL HEREDITARY MOTOR, AUTOSOMAL RECESSIVE 1; HMN VI; SEVERE INFANTILE AXONAL NEUROPATHY WITH RESPIRATORY FAILURE; SPINAL MUSCULAR ATROPHY, DIAPHRAGMATIC; NEURONOPATHY, SEVERE INFANTILE AXONAL, WITH RESPIRATORY FAILURE. Identifiers: Orphanet 98920, MedGen C1858517, MONDO:0011436, OMIM 604320.

Submission:

Labcorp Genetics (formerly Invitae), Labcorp
Classification: Uncertain significance for Autosomal recessive distal spinal muscular atrophy 1; Charcot-Marie-Tooth disease axonal type 2S. Last evaluated: 2022-06-04. Review status: criteria provided, single submitter. Criteria: Invitae Variant Classification Sherloc (09022015). Collection method: clinical testing. Allele origin: germline.
Comment: This sequence change replaces serine, which is neutral and polar, with proline, which is neutral and non-polar, at codon 205 of the IGHMBP2 protein (p.Ser205Pro). This variant is present in population databases (no rsID available, gnomAD 0.007%). This missense change has been observed in individual(s) with clinical features of IGHMBP2-related conditions (Invitae). In at least one individual the data is consistent with being in trans (on the opposite chromosome) from a pathogenic variant. It has also been observed to segregate with disease in related individuals. Advanced modeling of protein sequence and biophysical properties (such as structural, functional, and spatial information, amino acid conservation, physicochemical variation, residue mobility, and thermodynamic stability) performed at Invitae indicates that this missense variant is not expected to disrupt IGHMBP2 protein function. In summary, the available evidence is currently insufficient to determine the role of this variant in disease. Therefore, it has been classified as a Variant of Uncertain Significance.

NM_002180.3(IGHMBP2):c.613T>C (p.Ser205Pro)

Gene: IGHMBP2 (immunoglobulin mu DNA binding protein 2; plus strand). Cytogenetic location: 11q13.3.
Variant type: single nucleotide variant.
Coding change: c.613T>C on transcript NM_002180.3 (MANE Select); coding-DNA position 613, T replaced by C.
Protein change: p.Ser205Pro; replaces serine 205 with proline.
Molecular consequence: missense variant.
Genome position (GRCh38, 1-based): chr11:68,911,505, T>C. VCF-style: chr11-68911505-T-C. GRCh37 (hg19) VCF-style: chr11-68678973-T-C.
Other names: short protein forms S205P.
Identifiers: ClinVar variation 2044540 (VCV002044540.4), dbSNP rs1390686396, ClinGen allele CA381643805.